The following is an entry in ClinVar:

NM_021098.3(CACNA1H):c.989T>C (p.Val330Ala)

Gene: CACNA1H (calcium voltage-gated channel subunit alpha1 H; plus strand). Cytogenetic location: 16p13.3.
Variant type: single nucleotide variant.
Coding change: c.989T>C on transcript NM_021098.3 (MANE Select); coding-DNA position 989, T replaced by C.
Protein change: p.Val330Ala; replaces valine 330 with alanine.
Molecular consequence: missense variant.
Genome position (GRCh38, 1-based): chr16:1,200,441, T>C. VCF-style: chr16-1200441-T-C. GRCh37 (hg19) VCF-style: chr16-1250441-T-C.
Other names: c.989T>C, p.Val330Ala (NM_001005407.2); short protein forms V330A.
Identifiers: ClinVar variation 1719717 (VCV001719717.5), dbSNP rs1398272413, ClinGen allele CA394157492.

ClinVar aggregate classification (germline): Uncertain significance (1 of 4 stars; one submission).

Conditions:
Hyperaldosteronism, familial, type IV (HALD4). Also called: FH IV; ALDOSTERONISM, PRIMARY, AND HYPERTENSION. Identifiers: Orphanet 642671, MedGen C4310756, MONDO:0014875, OMIM 617027.
Idiopathic generalized epilepsy. Also called: EIG; Generalised epilepsy. Identifiers: MedGen C0270850, MONDO:0005579, OMIM 600669.

gnomAD v4.1: 1 of 1,610,612 alleles (0.000062%); highest among the groups gnomAD compares: Non-Finnish European, 0.000085%; no homozygotes.

Submission:

Labcorp Genetics (formerly Invitae), Labcorp
Classification: Uncertain significance for Idiopathic generalized epilepsy; Hyperaldosteronism, familial, type IV. Last evaluated: 2025-04-07. Review status: criteria provided, single submitter. Criteria: Invitae Variant Classification Sherloc (09022015). Collection method: clinical testing. Allele origin: germline.
Comment: This sequence change replaces valine, which is neutral and non-polar, with alanine, which is neutral and non-polar, at codon 330 of the CACNA1H protein (p.Val330Ala). This variant is not present in population databases (gnomAD no frequency). This variant has not been reported in the literature in individuals affected with CACNA1H-related conditions. ClinVar contains an entry for this variant (Variation ID: 1719717). Invitae Evidence Modeling of protein sequence and biophysical properties (such as structural, functional, and spatial information, amino acid conservation, physicochemical variation, residue mobility, and thermodynamic stability) indicates that this missense variant is not expected to disrupt CACNA1H protein function with a negative predictive value of 95%. In summary, the available evidence is currently insufficient to determine the role of this variant in disease. Therefore, it has been classified as a Variant of Uncertain Significance.